The following is an entry in ClinVar:

NM_001164665.2(KIAA1549):c.1550C>A (p.Thr517Lys)

Gene: KIAA1549 (KIAA1549; minus strand). Cytogenetic location: 7q34.
Variant type: single nucleotide variant.
Coding change: c.1550C>A on transcript NM_001164665.2 (MANE Select); coding-DNA position 1550, C replaced by A.
Protein change: p.Thr517Lys; replaces threonine 517 with lysine.
Molecular consequence: missense variant.
Genome position (GRCh38, 1-based): chr7:138,918,076, G>T on the plus strand (C>A on the coding strand, the complement: KIAA1549 is on the minus strand). VCF-style: chr7-138918076-G-T. GRCh37 (hg19) VCF-style: chr7-138602822-G-T.
Other names: c.1550C>A, p.Thr517Lys (NM_020910.3); short protein forms T517K.
Identifiers: ClinVar variation 1399530 (VCV001399530.7), dbSNP rs780751915, ClinGen allele CA4506696.
Genomic context (GRCh38, chr7:138,918,076, plus strand): 5'-GTAGGATCAAGTGACGCCGGCACAGAGAGGCGGCCGTGGGCAGGGGGAACCTGTGTGGTT[G>T]TAACACTACTCATATCCACCTCGGCAGAAATGCCAACACTCGTCTCTGAGATTTCCATGG-3'
Protein context (NP_001158137.1, residues 507-527): ISAEVDMSSV[Thr517Lys]TTQVPPAHGR

ClinVar aggregate classification (germline): Uncertain significance. Review status: criteria provided, multiple submitters, no conflicts (2 of 4 stars). 2 submissions from 2 submitters: Uncertain significance (2). Last evaluated 2024-11-05.

Conditions:
Retinal dystrophy. Also called: Inherited retinal dystrophy. Identifiers: Orphanet 71862, MedGen C0854723, MeSH D058499, MONDO:0019118, HP:0000556.

Allele frequency attached by ClinVar (database versions not stated): gnomAD 0.00003; ExAC 0.00005; TOPMed 0.00005; gnomAD exomes 0.00007.
gnomAD v4.1: 22 of 1,613,552 alleles (0.0014%); highest among the groups gnomAD compares: Admixed American, 0.032%; no homozygotes.

Submissions (2):

Labcorp Genetics (formerly Invitae), Labcorp
Classification: Uncertain significance. Last evaluated: 2024-11-05. Review status: criteria provided, single submitter. Criteria: Invitae Variant Classification Sherloc (09022015). Collection method: clinical testing. Allele origin: germline.
Comment: This sequence change replaces threonine, which is neutral and polar, with lysine, which is basic and polar, at codon 517 of the KIAA1549 protein (p.Thr517Lys). This variant is present in population databases (rs780751915, gnomAD 0.04%). This variant has not been reported in the literature in individuals affected with KIAA1549-related conditions. ClinVar contains an entry for this variant (Variation ID: 1399530). An algorithm developed to predict the effect of missense changes on protein structure and function (PolyPhen-2) suggests that this variant is likely to be tolerated. In summary, the available evidence is currently insufficient to determine the role of this variant in disease. Therefore, it has been classified as a Variant of Uncertain Significance.

Dept Of Ophthalmology, Nagoya University
Classification: Uncertain significance for Retinal dystrophy. Last evaluated: 2023-10-01. Review status: criteria provided, single submitter. Criteria: Submitter's publication. Collection method: research. Allele origin: germline. Affected: yes.